The following is an entry in ClinVar:

ClinVar aggregate classification (germline): Uncertain significance (1 of 4 stars; one submission).

Conditions:
Distal myopathy with posterior leg and anterior hand involvement. Also called: WILLIAMS DISTAL MYOPATHY. Identifiers: Orphanet 63273, MedGen C3279722, MONDO:0013550, OMIM 614065.
Hypertrophic cardiomyopathy 26. Also called: Cardiomyopathy, familial hypertrophic, 26. Identifiers: Orphanet 75249, MedGen C4310749, MONDO:0014883, OMIM 617047.
Myofibrillar myopathy 5. Also called: Filaminopathy (type); FILAMINOPATHY, AUTOSOMAL DOMINANT. Identifiers: Orphanet 171445, MedGen C1836050, MONDO:0012289, OMIM 609524.

Submission:

Labcorp Genetics (formerly Invitae), Labcorp
Classification: Uncertain significance for Distal myopathy with posterior leg and anterior hand involvement; Myofibrillar myopathy 5; Hypertrophic cardiomyopathy 26. Last evaluated: 2024-09-15. Review status: criteria provided, single submitter. Criteria: Invitae Variant Classification Sherloc (09022015). Collection method: clinical testing. Allele origin: germline.
Comment: This sequence change replaces alanine, which is neutral and non-polar, with serine, which is neutral and polar, at codon 403 of the FLNC protein (p.Ala403Ser). This variant is not present in population databases (gnomAD no frequency). This variant has not been reported in the literature in individuals affected with FLNC-related conditions. Invitae Evidence Modeling of protein sequence and biophysical properties (such as structural, functional, and spatial information, amino acid conservation, physicochemical variation, residue mobility, and thermodynamic stability) has been performed for this missense variant. However, the output from this modeling did not meet the statistical confidence thresholds required to predict the impact of this variant on FLNC protein function. In summary, the available evidence is currently insufficient to determine the role of this variant in disease. Therefore, it has been classified as a Variant of Uncertain Significance.

NM_001458.5(FLNC):c.1207G>T (p.Ala403Ser)

Gene: FLNC (filamin C; plus strand). Cytogenetic location: 7q32.1.
Variant type: single nucleotide variant.
Coding change: c.1207G>T on transcript NM_001458.5 (MANE Select); coding-DNA position 1207, G replaced by T.
Protein change: p.Ala403Ser; replaces alanine 403 with serine.
Molecular consequence: missense variant.
Genome position (GRCh38, 1-based): chr7:128,838,426, G>T. VCF-style: chr7-128838426-G-T. GRCh37 (hg19) VCF-style: chr7-128478480-G-T.
Other names: c.1207G>T, p.Ala403Ser (NM_001127487.2); short protein forms A403S.
Identifiers: ClinVar variation 3758836 (VCV003758836.2).